The following is an entry in ClinVar:

NM_001287491.2(TET3):c.1724C>G (p.Pro575Arg)

Gene: TET3 (tet methylcytosine dioxygenase 3; plus strand). Cytogenetic location: 2p13.1.
Variant type: single nucleotide variant.
Coding change: c.1724C>G on transcript NM_001287491.2 (MANE Select); coding-DNA position 1724, C replaced by G.
Protein change: p.Pro575Arg; replaces proline 575 with arginine.
Molecular consequence: missense variant.
Genome position (GRCh38, 1-based): chr2:74,047,641, C>G. VCF-style: chr2-74047641-C-G. GRCh37 (hg19) VCF-style: chr2-74274768-C-G.
Other names: c.1445C>G, p.Pro482Arg (NM_001366022.1); short protein forms P482R, P575R.
Identifiers: ClinVar variation 5017211 (VCV005017211.1).
Genomic context (GRCh38, chr2:74,047,641, plus strand): 5'-CTGCTCCTGGCTGGTGGCCCCCACCAAGTTCACCTGTCCCACGGCTTCCAGACAGACCAC[C>G]CAAGGAGAAGAAGAAGAAGCTCCCAACACCAGCTGGAGGTCCCGTGGGAACGGAGAAAGC-3'
Protein context (NP_001274420.1, residues 565-585): SPVPRLPDRP[Pro575Arg]KEKKKKLPTP

ClinVar aggregate classification (germline): Uncertain significance (1 of 4 stars; one submission).

gnomAD v4.1: 54 of 1,613,408 alleles (0.0033%); highest among the groups gnomAD compares: Non-Finnish European, 0.0044%; no homozygotes.

Submission:

GeneDx
Classification: Uncertain significance. Last evaluated: 2026-03-26. Review status: criteria provided, single submitter. Criteria: GeneDx Variant Classification Process June 2021. Collection method: clinical testing. Allele origin: germline.
Comment: In silico analysis suggests that this missense variant does not alter protein structure/function; Has not been previously published as pathogenic or benign to our knowledge